The following is an entry in ClinVar:

ClinVar aggregate classification (germline): Uncertain significance (1 of 4 stars; one submission).

Conditions:
Nephronophthisis 16 (NPHP16). Identifiers: Orphanet 655, MedGen C3809320, MONDO:0014158, OMIM 615382.

Allele frequency attached by ClinVar (database versions not stated): gnomAD below 0.00001 and 0.00003; TOPMed 0.00002; ExAC 0.00013; gnomAD exomes 0.00014.
gnomAD v4.1: 118 of 1,595,472 alleles (0.0074%); highest among the groups gnomAD compares: South Asian, 0.094%; 2 homozygotes.

Submission:

Labcorp Genetics (formerly Invitae), Labcorp
Classification: Uncertain significance for Nephronophthisis 16. Last evaluated: 2019-12-19. Review status: criteria provided, single submitter. Criteria: Invitae Variant Classification Sherloc (09022015). Collection method: clinical testing. Allele origin: germline.
Comment: This sequence change replaces arginine with glutamine at codon 574 of the ANKS6 protein (p.Arg574Gln). The arginine residue is highly conserved and there is a small physicochemical difference between arginine and glutamine. This variant is present in population databases (rs112147399, ExAC 0.1%). This variant has not been reported in the literature in individuals with ANKS6-related conditions. Algorithms developed to predict the effect of missense changes on protein structure and function are either unavailable or do not agree on the potential impact of this missense change (SIFT: "Deleterious"; PolyPhen-2: "Benign"; Align-GVGD: "Class C0"). In summary, the available evidence is currently insufficient to determine the role of this variant in disease. Therefore, it has been classified as a Variant of Uncertain Significance.

NM_173551.5(ANKS6):c.1721G>A (p.Arg574Gln)

Gene: ANKS6 (ankyrin repeat and sterile alpha motif domain containing 6; minus strand). Cytogenetic location: 9q22.33.
Variant type: single nucleotide variant.
Coding change: c.1721G>A on transcript NM_173551.5 (MANE Select); coding-DNA position 1721, G replaced by A.
Protein change: p.Arg574Gln; replaces arginine 574 with glutamine.
Molecular consequence: missense variant.
Genome position (GRCh38, 1-based): chr9:98,773,977, C>T on the plus strand (G>A on the coding strand, the complement: ANKS6 is on the minus strand). VCF-style: chr9-98773977-C-T. GRCh37 (hg19) VCF-style: chr9-101536259-C-T.
Other names: short protein forms R574Q.
Identifiers: ClinVar variation 857938 (VCV000857938.1), dbSNP rs112147399, ClinGen allele CA5153387.